The following continues an entry in ClinVar:

NM_025114.4(CEP290):c.2991+1655A>G

Gene: CEP290. ClinVar aggregate classification (germline): Pathogenic. Pathogenic (1).

Submission 31 of 31:

GeneReviews
No classification provided. Condition: Leber congenital amaurosis 10. Review status: flagged submission. Collection method: literature only. Allele origin: unknown. Not counted in ClinVar's aggregate classification.
ClinVar note: Reason: This record appears to be redundant with a more recent record from the same submitter.
ClinVar note: Notes: SCV000087012 appears to be redundant with SCV000058614.

Literature cited by the submitters: PubMed 16909394 (cited by 9 submitters); PubMed 17345604 (cited by 3 submitters); PubMed 17964524 (cited by Labcorp Genetics (formerly Invitae), Labcorp and Eurofins Ntd Llc (ga)); PubMed 23344081 (cited by 4 submitters); PubMed 17554762 (cited by Natera, Inc.); PubMed 19823873 (cited by Institute of Human Genetics, Univ. Regensburg, Univ. Regensburg); PubMed 23343883 (cited by Institute of Human Genetics, Univ. Regensburg, Univ. Regensburg and Ocular Genomics Institute, Massachusetts Eye and Ear); PubMed 24223178 (cited by Institute of Human Genetics, Univ. Regensburg, Univ. Regensburg); PubMed 23591405 (cited by Institute of Human Genetics, Univ. Regensburg, Univ. Regensburg); PubMed 24767827 (cited by Institute of Human Genetics, Univ. Regensburg, Univ. Regensburg); PubMed 28619647 (cited by Institute of Human Genetics, Univ. Regensburg, Univ. Regensburg); PubMed 28224992 (cited by Institute of Human Genetics, Univ. Regensburg, Univ. Regensburg); PubMed 28510626 (cited by Institute of Human Genetics, Univ. Regensburg, Univ. Regensburg); PubMed 29186038 (cited by Institute of Human Genetics, Univ. Regensburg, Univ. Regensburg); PubMed 29178642 (cited by Institute of Human Genetics, Univ. Regensburg, Univ. Regensburg); PubMed 29518907 (cited by Institute of Human Genetics, Univ. Regensburg, Univ. Regensburg); PubMed 29398085 (cited by Institute of Human Genetics, Univ. Regensburg, Univ. Regensburg); PubMed 30193310 (cited by Institute of Human Genetics, Univ. Regensburg, Univ. Regensburg); PubMed 30576320 (cited by Institute of Human Genetics, Univ. Regensburg, Univ. Regensburg); PubMed 31087526 (cited by Institute of Human Genetics, Univ. Regensburg, Univ. Regensburg); PubMed 30559420 (cited by Institute of Human Genetics, Univ. Regensburg, Univ. Regensburg); PubMed 31734136 (cited by Institute of Human Genetics, Univ. Regensburg, Univ. Regensburg); PubMed 31429209 (cited by Institute of Human Genetics, Univ. Regensburg, Univ. Regensburg); PubMed 32865313 (cited by Institute of Human Genetics, Univ. Regensburg, Univ. Regensburg); PubMed 32531858 (cited by Institute of Human Genetics, Univ. Regensburg, Univ. Regensburg); PubMed 31816670 (cited by Institute of Human Genetics, Univ. Regensburg, Univ. Regensburg); PubMed 32037395 (cited by Institute of Human Genetics, Univ. Regensburg, Univ. Regensburg); PubMed 34327195 (cited by Institute of Human Genetics, Univ. Regensburg, Univ. Regensburg); PubMed 33749171 (cited by Institute of Human Genetics, Univ. Regensburg, Univ. Regensburg); PubMed 33726816 (cited by Institute of Human Genetics, Univ. Regensburg, Univ. Regensburg); PubMed 34196655 (cited by Institute of Human Genetics, Univ. Regensburg, Univ. Regensburg); PubMed 35764379 (cited by Institute of Human Genetics, Univ. Regensburg, Univ. Regensburg); PubMed 36537646 (cited by Institute of Human Genetics, Univ. Regensburg, Univ. Regensburg); PubMed 36460718 (cited by Institute of Human Genetics, Univ. Regensburg, Univ. Regensburg); PubMed 36369640 (cited by Institute of Human Genetics, Univ. Regensburg, Univ. Regensburg); PubMed 36819107 (cited by Institute of Human Genetics, Univ. Regensburg, Univ. Regensburg); PubMed 17564967 (cited by OMIM); PubMed 38709228 (cited by OMIM); PubMed 20301475 (cited by GeneReviews); NCBI Bookshelf NBK1298 (cited by GeneReviews).